The following is an entry in ClinVar:

NM_012280.4(FTSJ1):c.471A>G (p.Ile157Met)

Gene: FTSJ1 (FtsJ RNA 2'-O-methyltransferase 1; plus strand). Cytogenetic location: Xp11.23.
Variant type: single nucleotide variant.
Coding change: c.471A>G on transcript NM_012280.4 (MANE Select); coding-DNA position 471, A replaced by G.
Protein change: p.Ile157Met; replaces isoleucine 157 with methionine.
Molecular consequence: missense variant.
Genome position (GRCh38, 1-based): chrX:48,481,428, A>G. VCF-style: chrX-48481428-A-G. GRCh37 (hg19) VCF-style: chrX-48339816-A-G.
Other names: c.60A>G, p.Ile20Met (NM_001282157.2); c.471A>G, p.Ile157Met (NM_177439.3); short protein forms I157M, I20M.
Identifiers: ClinVar variation 3363422 (VCV003363422.1).

ClinVar aggregate classification (germline): Uncertain significance (1 of 4 stars; one submission).

Submission:

GeneDx
Classification: Uncertain significance. Last evaluated: 2023-10-30. Review status: criteria provided, single submitter. Criteria: GeneDx Variant Classification Process June 2021. Collection method: clinical testing. Allele origin: germline. Affected: yes.
Comment: Not observed at significant frequency in large population cohorts (gnomAD); In silico analysis supports that this missense variant has a deleterious effect on protein structure/function; Has not been previously published as pathogenic or benign to our knowledge